The following is an entry in ClinVar:

NM_000829.4(GRIA4):c.1921A>G (p.Asn641Asp)

Gene: GRIA4 (glutamate ionotropic receptor AMPA type subunit 4; plus strand). Cytogenetic location: 11q22.3.
Variant type: single nucleotide variant.
Coding change: c.1921A>G on transcript NM_000829.4 (MANE Select); coding-DNA position 1921, A replaced by G.
Protein change: p.Asn641Asp; replaces asparagine 641 with aspartic acid.
Molecular consequence: missense variant. On other transcripts: non-coding transcript variant (1).
Genome position (GRCh38, 1-based): chr11:105,926,814, A>G. VCF-style: chr11-105926814-A-G. GRCh37 (hg19) VCF-style: chr11-105797540-A-G.
Other names: c.1921A>G, p.Asn641Asp (NM_001077243.3); short protein forms N641D.
Identifiers: ClinVar variation 446207 (VCV000446207.5), dbSNP rs1555050165, ClinGen allele CA382301800.

ClinVar aggregate classification (germline): Likely pathogenic. Review status: criteria provided, single submitter (1 of 4 stars). 3 submissions from 3 submitters: Likely pathogenic (1). 2 of the submissions do not count toward it. Last evaluated 2024-01-09.

Conditions:
Neurodevelopmental disorder with or without seizures and gait abnormalities. Identifiers: MedGen C4693391, MONDO:0060641, OMIM 617864.
Inborn genetic diseases. Identifiers: MedGen C0950123, MeSH D030342.
Intellectual disability. Also called: Intellectual developmental disorder; Intellectual functioning disability; intellectual disabilities. Identifiers: MedGen C3714756, MeSH D008607, MONDO:0001071, HP:0001249.

Submissions (3):

Ambry Genetics
Classification: Likely pathogenic for Inborn genetic diseases. Last evaluated: 2024-01-09. Review status: criteria provided, single submitter. Criteria: Ambry Variant Classification Scheme 2023. Collection method: clinical testing. Allele origin: germline.
Comment: The c.1921A>G (p.N641D) alteration is located in exon 13 (coding exon 12) of the GRIA4 gene. This alteration results from an A to G substitution at nucleotide position 1921, causing the asparagine (N) at amino acid position 641 to be replaced by an aspartic acid (D). This variant was not reported in population-based cohorts in the Genome Aggregation Database (gnomAD). This alteration was reported de novo in one individual with features consistent with GRIA4-related neurodevelopmental disorder (Martin, 2017). A de novo GRIN1 c.1950C>G (p.N650K) alteration (orthologous to N641 of GRIA4) was reported in one individual with severe intellectual disability, complex partial seizures, chorea, dyskinesia, spasticity, progressive microcephaly, feeding difficulties, brain MRI abnormalities (thinning of the corpus callosum, ventriculomegaly, and mild cerebellar atrophy), and mildly dysmorphic facial features (Ohba, 2015). This amino acid position is highly conserved in available vertebrate species. The p.N641D amino acid is located in an alpha helix in the transmembrane region known as the M3 segment of GluR4. The M3 segment of each subunit of the tetrameric receptor channel plays a critical role in the high influx of Ca2+ ions through the receptor channel under physiological conditions and contains the most conserved motif common to all glutamate receptor subunits (SYTANLAAF), which is a critical determinant of channel gating in glutamate receptors (Yuan, 2005). In house structural modeling at Ambry Genetics of the c.1921A>G (p.N641D) alteration suggests that the alteration is likely disrupting the gating mechanism of the channel. Mutagenesis studies have demonstrated the striking effect of amino acid substitutions in this segment on glutamate receptor function, especially at the highly conserved asparagine (N) residue within the motif (Jatzke, 2003). Amino acid substitutions of this asparagine (N) in M3 (N641 in GRIA4) were shown to strongly diminish Ca2+ permeability under physiological conditions indicating a significant role for this asparagine during Ca2+ influx in the GluR4 (and other glutamate) receptors (Jatzke, 2003). The in silico prediction for this alteration is inconclusive. Based on the available evidence, this alteration is classified as likely pathogenic.

OMIM
Classification: Pathogenic for NEURODEVELOPMENTAL DISORDER WITH SEIZURES AND GAIT ABNORMALITIES. Last evaluated: 2018-02-07. Review status: no assertion criteria provided. Collection method: literature only. Allele origin: germline. Not counted in ClinVar's aggregate classification.

Institute of Human Genetics, University of Leipzig Medical Center
Classification: Likely pathogenic for intellectual disability. Review status: no assertion criteria provided. Collection method: clinical testing. Allele origin: de novo. Affected: yes. Not counted in ClinVar's aggregate classification.

Literature cited by the submitters: PubMed 12692178 (cited by Ambry Genetics); PubMed 15970596 (cited by Ambry Genetics); PubMed 19946266 (cited by Ambry Genetics); PubMed 20007474 (cited by Ambry Genetics); PubMed 25864721 (cited by Ambry Genetics); PubMed 29220673 (cited by Ambry Genetics and OMIM).